The following is an entry in ClinVar:

ClinVar aggregate classification (germline): Uncertain significance (1 of 4 stars; one submission).

Conditions:
Inborn genetic diseases. Identifiers: MedGen C0950123, MeSH D030342.

Submission:

Ambry Genetics
Classification: Uncertain significance for Inborn genetic diseases. Last evaluated: 2025-09-19. Review status: criteria provided, single submitter. Criteria: Ambry Variant Classification Scheme 2023. Collection method: clinical testing. Allele origin: germline.
Comment: The p.V1470G variant (also known as c.4409T>G), located in coding exon 30 of the ANKRD26 gene, results from a T to G substitution at nucleotide position 4409. The valine at codon 1470 is replaced by glycine, an amino acid with dissimilar properties. This amino acid position is conserved. In addition, this alteration is predicted to be tolerated by in silico analysis. Based on the available evidence, the clinical significance of this variant remains unclear.

NM_014915.3(ANKRD26):c.4409T>G (p.Val1470Gly)

Gene: ANKRD26 (ankyrin repeat domain 26; minus strand). Cytogenetic location: 10p12.1.
Variant type: single nucleotide variant.
Coding change: c.4409T>G on transcript NM_014915.3 (MANE Select); coding-DNA position 4409, T replaced by G.
Protein change: p.Val1470Gly; replaces valine 1470 with glycine.
Molecular consequence: missense variant.
Genome position (GRCh38, 1-based): chr10:27,017,599, A>C on the plus strand (T>G on the coding strand, the complement: ANKRD26 is on the minus strand). VCF-style: chr10-27017599-A-C. GRCh37 (hg19) VCF-style: chr10-27306528-A-C.
Other names: c.4406T>G, p.Val1469Gly (NM_001256053.2); short protein forms V1469G, V1470G.
Identifiers: ClinVar variation 4578757 (VCV004578757.1).